The following is an entry in ClinVar:

ClinVar aggregate classification (germline): Uncertain significance. Review status: criteria provided, multiple submitters, no conflicts (2 of 4 stars). 3 submissions from 3 submitters: Uncertain significance (3). Last evaluated 2025-03-25.

Conditions:
Long QT syndrome (LQTS). Identifiers: MedGen C0023976, MeSH D008133, MONDO:0002442. Disease mechanism: loss of function. Inheritance: Various modes of inheritance.
Cardiovascular phenotype. Identifiers: MedGen CN230736.

gnomAD v4.1: 2 of 1,614,110 alleles (0.00012%); highest among the groups gnomAD compares: Non-Finnish European, 0.00017%; no homozygotes.

Submissions (3):

Ambry Genetics
Classification: Uncertain significance for Cardiovascular phenotype. Last evaluated: 2025-03-25. Review status: criteria provided, single submitter. Criteria: Ambry Variant Classification Scheme 2023. Collection method: clinical testing. Allele origin: germline.
Comment: The p.Q2407H variant (also known as c.7221A>C), located in coding exon 38 of the ANK2 gene, results from an A to C substitution at nucleotide position 7221. The glutamine at codon 2407 is replaced by histidine, an amino acid with highly similar properties. This amino acid position is conserved. In addition, this alteration is predicted to be tolerated by in silico analysis. Based on the available evidence, the clinical significance of this variant remains unclear.

GeneDx
Classification: Uncertain significance. Last evaluated: 2024-11-06. Review status: criteria provided, single submitter. Criteria: GeneDx Variant Classification Process June 2021. Collection method: clinical testing. Allele origin: germline. Affected: yes.
Comment: Not observed at significant frequency in large population cohorts (gnomAD); In silico analysis indicates that this missense variant does not alter protein structure/function; Has not been previously published as pathogenic or benign to our knowledge

Labcorp Genetics (formerly Invitae), Labcorp
Classification: Uncertain significance for Long QT syndrome. Last evaluated: 2024-05-22. Review status: criteria provided, single submitter. Criteria: Invitae Variant Classification Sherloc (09022015). Collection method: clinical testing. Allele origin: germline.
Comment: This sequence change replaces glutamine, which is neutral and polar, with histidine, which is basic and polar, at codon 2407 of the ANK2 protein (p.Gln2407His). This variant is not present in population databases (gnomAD no frequency). This variant has not been reported in the literature in individuals affected with ANK2-related conditions. ClinVar contains an entry for this variant (Variation ID: 1059925). Advanced modeling of protein sequence and biophysical properties (such as structural, functional, and spatial information, amino acid conservation, physicochemical variation, residue mobility, and thermodynamic stability) performed at Invitae indicates that this missense variant is not expected to disrupt ANK2 protein function with a negative predictive value of 80%. In summary, the available evidence is currently insufficient to determine the role of this variant in disease. Therefore, it has been classified as a Variant of Uncertain Significance.

NM_001148.6(ANK2):c.7221A>C (p.Gln2407His)

Genes: ANK2 (ankyrin 2; plus strand), LOC126807137 (CDK7 strongly-dependent group 2 enhancer GRCh37_chr4:114276560-114277759; plus strand). Cytogenetic location: 4q26.
Variant type: single nucleotide variant.
Coding change: c.7221A>C on transcript NM_001148.6 (MANE Select); coding-DNA position 7221, A replaced by C.
Protein change: p.Gln2407His; replaces glutamine 2407 with histidine.
Molecular consequence: missense variant. On other transcripts: intron variant (68).
Genome position (GRCh38, 1-based): chr4:113,355,839, A>C. VCF-style: chr4-113355839-A-C. GRCh37 (hg19) VCF-style: chr4-114276995-A-C.
Other names: c.7221A>C (NM_001148.4); c.6987A>C, p.Gln2329His (NM_001386142.1); c.3621A>C, p.Gln1207His (NM_001386166.1); c.7362A>C, p.Gln2454His (NM_001386174.1); c.7338A>C, p.Gln2446His (NM_001386175.1); c.4412-4984A>C (NM_001386186.2, NM_001386148.2); c.4214-4984A>C (NM_001354269.3); c.4292-4984A>C (NM_001386187.2); and 36 more; short protein forms Q1207H, Q2329H, Q2407H, Q2446H, Q2454H.
Identifiers: ClinVar variation 1059925 (VCV001059925.7), dbSNP rs776036456, ClinGen allele CA357929877.